The following is an entry in ClinVar:

NM_001384140.1(PCDH15):c.3910_3911del (p.Thr1304fs)

Gene: PCDH15 (protocadherin related 15; minus strand). Cytogenetic location: 10q21.1.
Variant type: Microsatellite.
Coding change: c.3910_3911del on transcript NM_001384140.1 (MANE Select); coding-DNA positions 3910 to 3911, 2 bases deleted (AC; older notation c.3910_3911delAC).
Protein change: p.Thr1304fs; shifts the reading frame from threonine 1304.
Molecular consequence: frameshift variant.
Genome position (GRCh38, 1-based): chr10:53,840,392-53,840,393, GT deleted on the plus strand (AC on the coding strand, the reverse complement: PCDH15 is on the minus strand); deleting any 2 consecutive bases within chr10:53,840,392-53,840,395 gives the same sequence; the c. name uses the placement nearest the transcript's 3' end. VCF-style (leftmost placement, unchanged base first): chr10-53840391-GGT-G. GRCh37 (hg19) VCF-style: chr10-55600151-GGT-G.
Other names: c.3925_3926del, p.Thr1309fs (NM_001142763.2, NM_001142771.2); c.3910_3911del, p.Thr1304fs (NM_001142764.2, NM_001142766.2, NM_001142770.3 and 4 more transcripts); c.3697_3698del, p.Thr1233fs (NM_001142765.2); c.3799_3800del, p.Thr1267fs (NM_001142767.2); c.3844_3845del, p.Thr1282fs (NM_001142768.2, NM_001142773.2, NM_001354404.2); c.3944_3945AC[1], p.Thr1316Glnfs (NM_001142769.4); c.3931_3932del, p.Thr1311fs (NM_001354411.2); short protein forms T1233fs, T1267fs, T1282fs, T1304fs, T1309fs, T1311fs, T1316fs.
Identifiers: ClinVar variation 1724147 (VCV001724147.2), dbSNP rs2492843419, ClinGen allele CA2580615471.

ClinVar aggregate classification (germline): Likely pathogenic (1 of 4 stars; one submission).

Conditions:
Usher syndrome type 1D (USH1D). Also called: USHER SYNDROME, TYPE ID. Identifiers: Orphanet 231169, Orphanet 886, MedGen C1832845, MONDO:0010984, OMIM 601067.

Submission:

Myriad Genetics, Inc.
Classification: Likely pathogenic for Usher syndrome type 1D. Last evaluated: 2022-01-27. Review status: criteria provided, single submitter. Criteria: Myriad Women's Health Autosomal Recessive and X-Linked Classification Criteria (2021). Collection method: clinical testing. Allele origin: unknown.
Comment: NM_033056.3(PCDH15):c.3910_3911delAC(T1304Qfs*3) is expected to be pathogenic in the context of PCDH15-related disorders. This variant is predicted to lead to an abnormal or absent protein product due to the creation of a premature termination codon in PCDH15, a gene where loss-of-function variants are known to be pathogenic. Please note: this variant was assessed in the context of healthy population screening.